The following is an entry in ClinVar:

NM_006831.3(CLP1):c.951C>T (p.Phe317=)

Gene: CLP1 (cleavage factor polyribonucleotide kinase subunit 1; plus strand). Cytogenetic location: 11q12.1.
Variant type: single nucleotide variant.
Coding change: c.951C>T on transcript NM_006831.3 (MANE Select); coding-DNA position 951, C replaced by T.
Protein change: p.Phe317=; no amino-acid change (phenylalanine 317 retained).
Molecular consequence: synonymous variant.
Genome position (GRCh38, 1-based): chr11:57,661,109, C>T. VCF-style: chr11-57661109-C-T. GRCh37 (hg19) VCF-style: chr11-57428581-C-T.
Other names: c.759C>T, p.Phe253= (NM_001142597.2).
Identifiers: ClinVar variation 388997 (VCV000388997.15), dbSNP rs111754731, ClinGen allele CA6008608.
Genomic context (GRCh38, chr11:57,661,109, plus strand): 5'-GGATGAGCGTATCCGTGAGTATTTTTATGGATTCCGAGGCTGTTTCTATCCCCATGCCTT[C>T]AATGTCAAATTTTCAGATGTGAAAATCTACAAAGTTGGGGCACCCACCATCCCAGACTCC-3'
Protein context (NP_006822.1, residues 307-327): GFRGCFYPHA[Phe317=]NVKFSDVKIY

ClinVar aggregate classification (germline): Benign. Review status: criteria provided, multiple submitters, no conflicts (2 of 4 stars). 4 submissions from 4 submitters: Benign (3). 1 of the submissions does not count toward it. Last evaluated 2026-01-25.

Conditions:
CLP1-related disorder. Also called: CLP1-related condition.

Allele frequency attached by ClinVar (database versions not stated): gnomAD exomes 0.00098 and 0.00253; ExAC 0.00309; gnomAD 0.01017 and 0.01097; 1000 Genomes Project 0.01038; 1000 Genomes Project 30x 0.01093; TOPMed 0.01160; ESP Exome Variant Server 0.01308.
gnomAD v4.1: 3,037 of 1,614,176 alleles (0.19%); highest among the groups gnomAD compares: African/African-American, 3.7%; 54 homozygotes.

Submissions (4):

Labcorp Genetics (formerly Invitae), Labcorp
Classification: Benign. Last evaluated: 2026-01-25. Review status: criteria provided, single submitter. Criteria: Invitae Variant Classification Sherloc (09022015). Collection method: clinical testing. Allele origin: germline.

GeneDx
Classification: Benign. Last evaluated: 2016-10-27. Review status: criteria provided, single submitter. Criteria: GeneDx Variant Classification (06012015). Collection method: clinical testing. Allele origin: germline. Affected: yes.
Comment: This variant is considered likely benign or benign based on one or more of the following criteria: it is a conservative change, it occurs at a poorly conserved position in the protein, it is predicted to be benign by multiple in silico algorithms, and/or has population frequency not consistent with disease.

Breakthrough Genomics
Classification: Benign. Review status: criteria provided, single submitter. Criteria: ACMG Guidelines, 2015. Collection method: not provided. Allele origin: germline. Inheritance: Autosomal recessive inheritance. Affected: yes.

PreventionGenetics, part of Exact Sciences
Classification: Benign for CLP1-related condition. Last evaluated: 2019-12-23. Review status: no assertion criteria provided. Collection method: clinical testing. Allele origin: germline. Not counted in ClinVar's aggregate classification.
Comment: This variant is classified as benign based on ACMG/AMP sequence variant interpretation guidelines (Richards et al. 2015 PMID: 25741868, with internal and published modifications).